The following is an entry in ClinVar:

ClinVar aggregate classification (germline): Uncertain significance (1 of 4 stars; one submission).

Conditions:
Hereditary cancer-predisposing syndrome. Also called: Neoplastic Syndromes, Hereditary; Tumor predisposition; Hereditary Cancer Syndrome; Hereditary neoplastic syndrome. Identifiers: Orphanet 140162, MedGen C0027672, MeSH D009386, MONDO:0015356.

Submission:

Ambry Genetics
Classification: Uncertain significance for Hereditary cancer-predisposing syndrome. Last evaluated: 2024-08-15. Review status: criteria provided, single submitter. Criteria: Ambry Variant Classification Scheme 2023. Collection method: clinical testing. Allele origin: germline.
Comment: The p.M819I variant (also known as c.2457G>T), located in coding exon 15 of the APC gene, results from a G to T substitution at nucleotide position 2457. The methionine at codon 819 is replaced by isoleucine, an amino acid with highly similar properties. This amino acid position is not well conserved in available vertebrate species. In addition, in silico predictors for this gene do not accurately predict pathogenicity. Missense alterations in APC are not a common cause of disease (Spier I et al. Genet Med. 2024 Feb;26(2):100992). Based on the available evidence, the clinical significance of this variant remains unclear.

NM_000038.6(APC):c.2457G>T (p.Met819Ile)

Gene: APC (APC regulator of Wnt signaling pathway; plus strand). Cytogenetic location: 5q22.2.
Variant type: single nucleotide variant.
Coding change: c.2457G>T on transcript NM_000038.6 (MANE Select); coding-DNA position 2457, G replaced by T.
Protein change: p.Met819Ile; replaces methionine 819 with isoleucine.
Molecular consequence: missense variant. On other transcripts: non-coding transcript variant (2).
Genome position (GRCh38, 1-based): chr5:112,838,051, G>T. VCF-style: chr5-112838051-G-T. GRCh37 (hg19) VCF-style: chr5-112173748-G-T.
Other names: c.2457G>T, p.Met819Ile (NM_001127510.3, NM_001354895.2, NM_001407450.1); c.2403G>T, p.Met801Ile (NM_001127511.3); c.2511G>T, p.Met837Ile (NM_001354896.2, NM_001407447.1, NM_001407448.1 and 1 more transcripts); c.2487G>T, p.Met829Ile (NM_001354897.2); c.2382G>T, p.Met794Ile (NM_001354898.2); c.2373G>T, p.Met791Ile (NM_001354899.2); c.2334G>T, p.Met778Ile (NM_001354900.2); c.2280G>T, p.Met760Ile (NM_001354901.2, NM_001407453.1); and 11 more; short protein forms M435I, M659I, M736I, M693I, M791I, M801I, M812I, M690I.
Identifiers: ClinVar variation 3410068 (VCV003410068.1).